The following is an entry in ClinVar:

NM_003000.3(SDHB):c.603G>C (p.Trp201Cys)

Gene: SDHB (succinate dehydrogenase complex iron sulfur subunit B; minus strand). Cytogenetic location: 1p36.13.
Variant type: single nucleotide variant.
Coding change: c.603G>C on transcript NM_003000.3 (MANE Select); coding-DNA position 603, G replaced by C.
Protein change: p.Trp201Cys; replaces tryptophan 201 with cysteine.
Molecular consequence: missense variant.
Genome position (GRCh38, 1-based): chr1:17,024,012, C>G on the plus strand (G>C on the coding strand, the complement: SDHB is on the minus strand). VCF-style: chr1-17024012-C-G. GRCh37 (hg19) VCF-style: chr1-17350507-C-G.
Other names: short protein forms W201C.
Identifiers: ClinVar variation 956482 (VCV000956482.8), dbSNP rs2077977917, ClinGen allele CA338271048.
Genomic context (GRCh38, chr1:17,024,012, plus strand): 5'-AGCAATTAAGGAGCACCTCACCTGCATAAGAACTGCAGGCCCCAGATATTTGTCTCCGTT[C>G]CACCAGTAGCTGGGGCAGCTGGTGCTACAGCAGGCACAGAGAATGCACTCGTAGAGCCCG-3'
Protein context (NP_002991.2, residues 191-211): CCSTSCPSYW[Trp201Cys]NGDKYLGPAV

ClinVar aggregate classification (germline): Uncertain significance. Review status: criteria provided, multiple submitters, no conflicts (2 of 4 stars). 2 submissions from 2 submitters: Uncertain significance (2). Last evaluated 2026-01-07.

Conditions:
Gastrointestinal stromal tumor. Also called: Gastrointestinal stromal tumor, somatic; Gastrointestinal stroma tumor. Identifiers: Orphanet 44890, MedGen C0238198, MeSH D046152, MONDO:0011719, OMIM 606764, HP:0100723.
Pheochromocytoma/paraganglioma syndrome 4. Also called: CAROTID BODY TUMORS AND MULTIPLE EXTRAADRENAL PHEOCHROMOCYTOMAS; SDHB-Related Hereditary Paraganglioma-Pheochromocytoma Syndrome; Paragangliomas 4; SDHB-Related Hereditary Paraganglioma-Pheochromocytoma Syndrome (Paragangliomas 4); PARAGANGLIOMA, FAMILIAL MALIGNANT; PARAGANGLIOMAS, HEREDITARY EXTRAADRENAL. Identifiers: Orphanet 29072, MedGen C1861848, MONDO:0007273, OMIM 115310.
Pheochromocytoma. Also called: MAX-Related Hereditary Paraganglioma-Pheochromocytoma Syndrome. Identifiers: Orphanet 29072, MedGen C0031511, MONDO:0008233, OMIM 171300, HP:0002666.
Hereditary cancer-predisposing syndrome. Also called: Hereditary neoplastic syndrome; Neoplastic Syndromes, Hereditary; Hereditary Cancer Syndrome; Tumor predisposition. Identifiers: Orphanet 140162, MedGen C0027672, MeSH D009386, MONDO:0015356.

Submissions (2):

Ambry Genetics
Classification: Uncertain significance for Hereditary cancer-predisposing syndrome. Last evaluated: 2026-01-07. Review status: criteria provided, single submitter. Criteria: Ambry Variant Classification Scheme 2023. Collection method: clinical testing. Allele origin: germline.
Comment: The p.W201C variant (also known as c.603G>C), located in coding exon 6 of the SDHB gene, results from a G to C substitution at nucleotide position 603. The tryptophan at codon 201 is replaced by cysteine, an amino acid with highly dissimilar properties. This amino acid position is highly conserved in available vertebrate species. In addition, this alteration is predicted to be deleterious by in silico analysis. Based on the available evidence, the clinical significance of this variant remains unclear.

Labcorp Genetics (formerly Invitae), Labcorp
Classification: Uncertain significance for Gastrointestinal stromal tumor; Pheochromocytoma/paraganglioma syndrome 4; Pheochromocytoma. Last evaluated: 2019-10-04. Review status: criteria provided, single submitter. Criteria: Invitae Variant Classification Sherloc (09022015). Collection method: clinical testing. Allele origin: germline.
Comment: In summary, the available evidence is currently insufficient to determine the role of this variant in disease. Therefore, it has been classified as a Variant of Uncertain Significance. Algorithms developed to predict the effect of missense changes on protein structure and function (SIFT, PolyPhen-2, Align-GVGD) all suggest that this variant is likely to be disruptive, but these predictions have not been confirmed by published functional studies and their clinical significance is uncertain. This variant has not been reported in the literature in individuals with SDHB-related conditions. This variant is not present in population databases (ExAC no frequency). This sequence change replaces tryptophan with cysteine at codon 201 of the SDHB protein (p.Trp201Cys). The tryptophan residue is highly conserved and there is a large physicochemical difference between tryptophan and cysteine.